The following is an entry in ClinVar:

ClinVar aggregate classification (germline): Uncertain significance (1 of 4 stars; one submission).

Submission:

Labcorp Genetics (formerly Invitae), Labcorp
Classification: Uncertain significance. Last evaluated: 2024-09-23. Review status: criteria provided, single submitter. Criteria: Invitae Variant Classification Sherloc (09022015). Collection method: clinical testing. Allele origin: germline.
Comment: This sequence change replaces isoleucine, which is neutral and non-polar, with valine, which is neutral and non-polar, at codon 414 of the DVL1 protein (p.Ile414Val). This variant is not present in population databases (gnomAD no frequency). This variant has not been reported in the literature in individuals affected with DVL1-related conditions. Invitae Evidence Modeling of protein sequence and biophysical properties (such as structural, functional, and spatial information, amino acid conservation, physicochemical variation, residue mobility, and thermodynamic stability) indicates that this missense variant is expected to disrupt DVL1 protein function with a positive predictive value of 80%. In summary, the available evidence is currently insufficient to determine the role of this variant in disease. Therefore, it has been classified as a Variant of Uncertain Significance.

NM_001330311.2(DVL1):c.1315A>G (p.Ile439Val)

Gene: DVL1 (dishevelled segment polarity protein 1; minus strand). Cytogenetic location: 1p36.33.
Variant type: single nucleotide variant.
Coding change: c.1315A>G on transcript NM_001330311.2 (MANE Select); coding-DNA position 1315, A replaced by G.
Protein change: p.Ile439Val; replaces isoleucine 439 with valine.
Molecular consequence: missense variant.
Genome position (GRCh38, 1-based): chr1:1,338,546, T>C on the plus strand (A>G on the coding strand, the complement: DVL1 is on the minus strand). VCF-style: chr1-1338546-T-C. GRCh37 (hg19) VCF-style: chr1-1273926-T-C.
Other names: c.1240A>G, p.Ile414Val (NM_004421.3); short protein forms I414V, I439V.
Identifiers: ClinVar variation 3607942 (VCV003607942.2).